The following is an entry in ClinVar:

ClinVar aggregate classification (germline): Uncertain significance. Review status: criteria provided, multiple submitters, no conflicts (2 of 4 stars). 2 submissions from 2 submitters: Uncertain significance (2). Last evaluated 2021-11-22.

Conditions:
Autosomal recessive limb-girdle muscular dystrophy type 2O. Also called: Limb-Girdle Muscular Dystrophy Type 3C; MUSCULAR DYSTROPHY-DYSTROGLYCANOPATHY (LIMB-GIRDLE), TYPE C, 3; MUSCULAR DYSTROPHY-DYSTROGLYCANOPATHY, LIMB-GIRDLE, POMGNT1-RELATED. Identifiers: Orphanet 206564, MedGen C3150417, MONDO:0013161, OMIM 613157.
Muscular dystrophy-dystroglycanopathy (congenital with impaired intellectual development), type B, 3. Also called: MUSCULAR DYSTROPHY, CONGENITAL, POMGNT1-RELATED; Muscular dystrophy-dystroglycanopathy (congenital with intellectual disability), type B3. Identifiers: MedGen C3150412, MONDO:0013155, OMIM 613151.

Submissions (2):

Labcorp Genetics (formerly Invitae), Labcorp
Classification: Uncertain significance for Autosomal recessive limb-girdle muscular dystrophy type 2O; Muscular dystrophy-dystroglycanopathy (congenital with impaired intellectual development), type B, 3. Last evaluated: 2021-11-22. Review status: criteria provided, single submitter. Criteria: Invitae Variant Classification Sherloc (09022015). Collection method: clinical testing. Allele origin: germline.
Comment: This sequence change falls in intron 12 of the POMGNT1 gene. It does not directly change the encoded amino acid sequence of the POMGNT1 protein. It affects a nucleotide within the consensus splice site. This variant is not present in population databases (gnomAD no frequency). This variant has not been reported in the literature in individuals affected with POMGNT1-related conditions. Variants that disrupt the consensus splice site are a relatively common cause of aberrant splicing (PMID: 17576681, 9536098). Algorithms developed to predict the effect of sequence changes on RNA splicing suggest that this variant may disrupt the consensus splice site. In summary, the available evidence is currently insufficient to determine the role of this variant in disease. Therefore, it has been classified as a Variant of Uncertain Significance.

Revvity Omics, Revvity
Classification: Uncertain significance. Last evaluated: 2019-04-30. Review status: criteria provided, single submitter. Criteria: ACMG Guidelines, 2015. Collection method: clinical testing. Allele origin: germline.

Literature cited by the submitters: PubMed 17576681 (cited by Labcorp Genetics (formerly Invitae), Labcorp); PubMed 9536098 (cited by Labcorp Genetics (formerly Invitae), Labcorp).

NM_017739.4(POMGNT1):c.1110+3A>G

Genes: POMGNT1 (protein O-linked mannose N-acetylglucosaminyltransferase 1 (beta 1,2-); minus strand), TSPAN1 (tetraspanin 1; plus strand). Cytogenetic location: 1p34.1.
Variant type: single nucleotide variant.
Coding change: c.1110+3A>G on transcript NM_017739.4 (MANE Select); 3 bases into the intron after coding-DNA position 1110, A replaced by G.
Molecular consequence: intron variant.
Genome position (GRCh38, 1-based): chr1:46,193,302, T>C on the plus strand (A>G on the coding strand, the complement: POMGNT1 is on the minus strand). VCF-style: chr1-46193302-T-C. GRCh37 (hg19) VCF-style: chr1-46658974-T-C.
Other names: c.1110+3A>G (NM_001243766.2, NM_001438686.1, NM_001438688.1 and 3 more transcripts); c.1044+3A>G (NM_001290129.3, NM_001438691.1, NM_001438692.1); c.681+3A>G (NM_001290130.2).
Identifiers: ClinVar variation 1979012 (VCV001979012.4), dbSNP rs2525405701, ClinGen allele CA2580062941.